The following is an entry in ClinVar:

ClinVar aggregate classification (germline): Uncertain significance (1 of 4 stars; one submission).

Conditions:
Granulomatous disease, chronic, autosomal recessive, cytochrome b-negative. Also called: GRANULOMATOUS DISEASE, CHRONIC, AUTOSOMAL RECESSIVE, 4; CGD DUE TO DEFICIENCY OF THE ALPHA SUBUNIT OF CYTOCHROME b; CGD, AUTOSOMAL RECESSIVE CYTOCHROME b-NEGATIVE; CYBA DEFICIENCY; Chronic granulomatous disease, autosomal, due to deficiency of CYBA. Identifiers: Orphanet 379, MedGen C1856255, MONDO:0009308, OMIM 233690.

Submission:

Myriad Genetics, Inc.
Classification: Uncertain significance for Granulomatous disease, chronic, autosomal recessive, cytochrome b-negative. Last evaluated: 2025-10-17. Review status: criteria provided, single submitter. Criteria: Myriad Autosomal Dominant, Autosomal Recessive and X-Linked Classification Criteria (2023). Collection method: clinical testing. Allele origin: unknown.
Comment: NM_000101.3(CYBA):c.25_36del12(W9_E12del) is an in-frame deletion classified as a variant of uncertain significance in the context of chronic granulomatous disease, CYBA-related. W9_E12del has not been observed in cases with relevant disease. Relevant functional assessments of this variant are not available in the literature. W9_E12del has not been observed in referenced population frequency databases. In summary, there is insufficient evidence to classify NM_000101.3(CYBA):c.25_36del12(W9_E12del) as pathogenic or benign. Please note: this variant was assessed in the context of healthy population screening.

NM_000101.4(CYBA):c.25_36del (p.Trp9_Glu12del)

Gene: CYBA (cytochrome b-245 alpha chain; minus strand). Cytogenetic location: 16q24.2.
Variant type: Deletion.
Coding change: c.25_36del on transcript NM_000101.4 (MANE Select); coding-DNA positions 25 to 36, 12 bases deleted (TGGGCCAACGAA).
Protein change: p.Trp9_Glu12del.
Molecular consequence: inframe deletion.
Genome position (GRCh38, 1-based): chr16:88,650,978-88,650,989, TTCGTTGGCCCA deleted on the plus strand (TGGGCCAACGAA on the coding strand, the reverse complement: CYBA is on the minus strand). VCF-style (leftmost placement, unchanged base first): chr16-88650977-GTTCGTTGGCCCA-G. GRCh37 (hg19) VCF-style: chr16-88717385-GTTCGTTGGCCCA-G.
Identifiers: ClinVar variation 5003773 (VCV005003773.1).